The following is an entry in ClinVar:

NM_000282.4(PCCA):c.1552A>T (p.Thr518Ser)

Gene: PCCA (propionyl-CoA carboxylase subunit alpha; plus strand). Cytogenetic location: 13q32.3.
Variant type: single nucleotide variant.
Coding change: c.1552A>T on transcript NM_000282.4 (MANE Select); coding-DNA position 1552, A replaced by T.
Protein change: p.Thr518Ser; replaces threonine 518 with serine.
Molecular consequence: missense variant. On other transcripts: non-coding transcript variant (5).
Genome position (GRCh38, 1-based): chr13:100,340,168, A>T. VCF-style: chr13-100340168-A-T. GRCh37 (hg19) VCF-style: chr13-100992422-A-T.
Other names: c.1474A>T, p.Thr492Ser (NM_001127692.3, NM_001352607.2); c.1552A>T, p.Thr518Ser (NM_001178004.2, NM_001352605.2, NM_001352609.2); c.1408A>T, p.Thr470Ser (NM_001352606.2); c.1330A>T, p.Thr444Ser (NM_001352608.2); c.607A>T, p.Thr203Ser (NM_001352610.2, NM_001352611.2); c.463A>T, p.Thr155Ser (NM_001352612.2); short protein forms T155S, T203S, T444S, T470S, T492S, T518S.
Identifiers: ClinVar variation 4802376 (VCV004802376.1).

ClinVar aggregate classification (germline): Uncertain significance (1 of 4 stars; one submission).

Conditions:
Propionic acidemia (PROP). Also called: HYPERGLYCINEMIA WITH KETOACIDOSIS AND LEUKOPENIA; KETOTIC HYPERGLYCINEMIA; GLYCINEMIA, KETOTIC. Identifiers: Orphanet 35, MedGen C0268579, MONDO:0011628, OMIM 606054, HP:0003571.

Submission:

Labcorp Genetics (formerly Invitae), Labcorp
Classification: Uncertain significance for Propionic acidemia. Last evaluated: 2025-12-15. Review status: criteria provided, single submitter. Criteria: Invitae Variant Classification Sherloc (09022015). Collection method: clinical testing. Allele origin: germline.
Comment: This sequence change replaces threonine, which is neutral and polar, with serine, which is neutral and polar, at codon 518 of the PCCA protein (p.Thr518Ser). This variant is not present in population databases (gnomAD no frequency). This variant has not been reported in the literature in individuals affected with PCCA-related conditions. Invitae Evidence Modeling of protein sequence and biophysical properties (such as structural, functional, and spatial information, amino acid conservation, physicochemical variation, residue mobility, and thermodynamic stability) has been performed for this missense variant. However, the output from this modeling did not meet the statistical confidence thresholds required to predict the impact of this variant on PCCA protein function. In summary, the available evidence is currently insufficient to determine the role of this variant in disease. Therefore, it has been classified as a Variant of Uncertain Significance.